The following is an entry in ClinVar:

NM_198129.4(LAMA3):c.1273+1G>A

Gene: LAMA3 (laminin subunit alpha 3; plus strand). Cytogenetic location: 18q11.2.
Variant type: single nucleotide variant.
Coding change: c.1273+1G>A on transcript NM_198129.4 (MANE Select); the canonical splice donor site of the intron after coding-DNA position 1273, G replaced by A.
Molecular consequence: splice donor variant. On other transcripts: missense variant (1).
Genome position (GRCh38, 1-based): chr18:23,773,588, G>A. VCF-style: chr18-23773588-G-A. GRCh37 (hg19) VCF-style: chr18-21353552-G-A.
Other names: c.1274G>A, p.Arg425His (NM_001302996.2); c.1273+1G>A (NM_001127717.4); short protein forms R425H.
Identifiers: ClinVar variation 2720140 (VCV002720140.6), dbSNP rs374152633, ClinGen allele CA8914528.

ClinVar aggregate classification (germline): Conflicting classifications of pathogenicity. Review status: criteria provided, conflicting classifications (1 of 4 stars). 3 submissions from 3 submitters: Likely pathogenic (1); Uncertain significance (1); Likely benign (1). Last evaluated 2024-03-25.

Conditions:
Epidermolysis bullosa, junctional 2B, severe. Also called: EPIDERMOLYSIS BULLOSA, JUNCTIONAL 2B, GENERALIZED SEVERE; EPIDERMOLYSIS BULLOSA, JUNCTIONAL 2B, HERLITZ TYPE. Identifiers: MedGen C5676937, MONDO:0030747, OMIM 619784.
Laryngo-onycho-cutaneous syndrome (JEB2C). Also called: SHABBIR SYNDROME; LOGIC SYNDROME; EPIDERMOLYSIS BULLOSA, JUNCTIONAL 2C, LARYNGOONYCHOCUTANEOUS. Identifiers: Orphanet 2407, MedGen C1328355, MONDO:0009513, OMIM 245660.
Epidermolysis bullosa, junctional 2A, intermediate. Also called: EPIDERMOLYSIS BULLOSA, JUNCTIONAL 2A, GENERALIZED INTERMEDIATE; EPIDERMOLYSIS BULLOSA, JUNCTIONAL 2A, NON-HERLITZ TYPE. Identifiers: MedGen C5676936, MONDO:0030746, OMIM 619783.

Allele frequency attached by ClinVar (database versions not stated): gnomAD exomes 0.00004; gnomAD 0.00014; ExAC 0.00025; 1000 Genomes Project 30x 0.00078; 1000 Genomes Project 0.00080.
gnomAD v4.1: 103 of 1,564,726 alleles (0.0066%); highest among the groups gnomAD compares: East Asian, 0.099%; 1 homozygote.

Submissions (3):

Blueprint Genetics
Classification: Uncertain significance. Last evaluated: 2024-03-25. Review status: criteria provided, single submitter. Criteria: ACMG Guidelines, 2015. Collection method: clinical testing. Allele origin: germline.

Labcorp Genetics (formerly Invitae), Labcorp
Classification: Likely benign. Last evaluated: 2023-09-08. Review status: criteria provided, single submitter. Criteria: Invitae Variant Classification Sherloc (09022015). Collection method: clinical testing. Allele origin: germline.

Juno Genomics, Hangzhou Juno Genomics, Inc
Classification: Likely pathogenic for Epidermolysis bullosa, junctional 2A, intermediate; Epidermolysis bullosa, junctional 2B, severe; Laryngo-onycho-cutaneous syndrome. Review status: criteria provided, single submitter. Criteria: ACMG Guidelines, 2015. Collection method: clinical testing. Allele origin: germline.
Comment: Null variant in a gene where loss of function (LOF) is a known mechanism of disease.;Absent from controls (or at extremely low frequency if recessive) in Genome Aggregation Database.